The following is an entry in ClinVar:

ClinVar aggregate classification (germline): Uncertain significance (1 of 4 stars; one submission).

Allele frequency attached by ClinVar (database versions not stated): gnomAD exomes below 0.00001.
gnomAD v4.1: 3 of 1,613,518 alleles (0.00019%); highest among the groups gnomAD compares: Middle Eastern, 0.033%; no homozygotes.

Submission:

Labcorp Genetics (formerly Invitae), Labcorp
Classification: Uncertain significance. Last evaluated: 2023-07-03. Review status: criteria provided, single submitter. Criteria: Invitae Variant Classification Sherloc (09022015). Collection method: clinical testing. Allele origin: germline.
Comment: In summary, the available evidence is currently insufficient to determine the role of this variant in disease. Therefore, it has been classified as a Variant of Uncertain Significance. Algorithms developed to predict the effect of sequence changes on RNA splicing suggest that this variant may create or strengthen a splice site. ClinVar contains an entry for this variant (Variation ID: 2089560). This variant has not been reported in the literature in individuals affected with HMCN1-related conditions. This variant is not present in population databases (gnomAD no frequency). This sequence change falls in intron 21 of the HMCN1 gene. It does not directly change the encoded amino acid sequence of the HMCN1 protein.

NM_031935.3(HMCN1):c.3209-5T>C

Gene: HMCN1 (hemicentin 1; plus strand). Cytogenetic location: 1q31.1.
Variant type: single nucleotide variant.
Coding change: c.3209-5T>C on transcript NM_031935.3 (MANE Select); 5 bases into the intron before coding-DNA position 3209, T replaced by C.
Molecular consequence: intron variant.
Genome position (GRCh38, 1-based): chr1:185,990,270, T>C. VCF-style: chr1-185990270-T-C. GRCh37 (hg19) VCF-style: chr1-185959402-T-C.
Identifiers: ClinVar variation 2089560 (VCV002089560.4), dbSNP rs2527395860, ClinGen allele CA2580061672.
Genomic context (GRCh38, chr1:185,990,270, plus strand): 5'-TGTAAATTAAACTGTGCTTTGTTTTCAATATACTGTTTCCCTTCCAAAACATGTGTTTAT[T>C]TTAGTAAGGCCCAGAGTGTTTGGAGATCAACGAGGACTGTCCCAGGATAAGCCTGTTGAG-3'